The following is an entry in ClinVar:

NM_001492.6(GDF1):c.786C>T (p.Gly262=)

Genes: CERS1 (ceramide synthase 1; minus strand), GDF1 (growth differentiation factor 1; minus strand). Cytogenetic location: 19p13.11.
Variant type: single nucleotide variant.
Coding change: c.786C>T on transcript NM_001492.6 (MANE Select); coding-DNA position 786, C replaced by T.
Protein change: p.Gly262=; no amino-acid change (glycine 262 retained).
Molecular consequence: synonymous variant. On other transcripts: 3 prime UTR variant (2).
Genome position (GRCh38, 1-based): chr19:18,868,930, G>A on the plus strand (C>T on the coding strand, the complement: GDF1 is on the minus strand). VCF-style: chr19-18868930-G-A. GRCh37 (hg19) VCF-style: chr19-18979739-G-A.
Other names: c.*1647C>T (NM_001387440.1); c.*1055C>T (NM_021267.5); c.786C>T, p.Gly262= (NM_001387438.1).
Identifiers: ClinVar variation 3342047 (VCV003342047.16).

ClinVar aggregate classification (germline): Likely benign (1 of 4 stars; one submission).

gnomAD v4.1: 1 of 1,322,578 alleles (0.000076%); highest among the groups gnomAD compares: Non-Finnish European, 0.000097%; no homozygotes.

Submission:

CeGaT Center for Human Genetics Tuebingen
Classification: Likely benign. Last evaluated: 2024-08-01. Review status: criteria provided, single submitter. Criteria: CeGaT Center For Human Genetics Tuebingen Variant Classification Criteria Version 2. Collection method: clinical testing. Allele origin: germline. Affected: yes. Observed: 1 variant allele.
Comment: GDF1: BP4, BP7